The following is an entry in ClinVar:

NM_001048174.2(MUTYH):c.856C>G (p.Gln286Glu)

Gene: MUTYH (mutY DNA glycosylase; minus strand). Cytogenetic location: 1p34.1.
Variant type: single nucleotide variant.
Coding change: c.856C>G on transcript NM_001048174.2 (MANE Select); coding-DNA position 856, C replaced by G.
Protein change: p.Gln286Glu; replaces glutamine 286 with glutamic acid.
Molecular consequence: missense variant. On other transcripts: non-coding transcript variant (7).
Genome position (GRCh38, 1-based): chr1:45,332,080, G>C on the plus strand (C>G on the coding strand, the complement: MUTYH is on the minus strand). VCF-style: chr1-45332080-G-C. GRCh37 (hg19) VCF-style: chr1-45797752-G-C.
Other names: c.580C>G, p.Gln194Glu (NM_001293196.2, NM_001407091.1, NM_001293192.2); c.511C>G, p.Gln171Glu (NM_001350650.2, NM_001350651.2, NM_001407082.1); c.889C>G, p.Gln297Glu (NM_001407069.1, NM_001293191.2, NM_001407077.1); c.856C>G, p.Gln286Glu (NM_001407070.1, NM_001407072.1, NM_001407073.1 and 6 more transcripts); c.859C>G, p.Gln287Glu (NM_001407071.1, NM_001048172.2, NM_001407078.1 and 1 more transcripts); c.772C>G, p.Gln258Glu (NM_001407075.1); c.931C>G, p.Gln311Glu (NM_012222.3); c.940C>G, p.Gln314Glu (NM_001128425.2); and 5 more; short protein forms Q272E, Q311E, Q194E, Q286E, Q297E, Q301E, Q171E, Q287E.
Identifiers: ClinVar variation 4113924 (VCV004113924.1).
Genomic context (GRCh38, chr1:45,332,080, plus strand): 5'-CACCACACTCCTCCACGTCAGGACTGCCCGACAGGCTCCCTGAGGCTAAGAGCTGTTCCT[G>C]CTCCACCTGAGAGGCACAGGGTTGAGTGTCATAGGGCAGAGTCACTCCTTAGGACTTCTC-3'
Protein context (NP_001041639.1, residues 276-296): SLCRARQRVE[Gln286Glu]EQLLASGSLS

ClinVar aggregate classification (germline): Uncertain significance (1 of 4 stars; one submission).

Conditions:
Hereditary cancer-predisposing syndrome. Also called: Hereditary neoplastic syndrome; Neoplastic Syndromes, Hereditary; Tumor predisposition; Hereditary Cancer Syndrome. Identifiers: Orphanet 140162, MedGen C0027672, MeSH D009386, MONDO:0015356.

Submission:

Ambry Genetics
Classification: Uncertain significance for Hereditary cancer-predisposing syndrome. Last evaluated: 2025-08-27. Review status: criteria provided, single submitter. Criteria: Ambry Variant Classification Scheme 2023. Collection method: clinical testing. Allele origin: germline.
Comment: The p.Q314E variant (also known as c.940C>G), located in coding exon 11 of the MUTYH gene, results from a C to G substitution at nucleotide position 940. The glutamine at codon 314 is replaced by glutamic acid, an amino acid with highly similar properties. This amino acid position is conserved. In addition, this alteration is predicted to be tolerated by in silico analysis. Based on the available evidence, the clinical significance of this variant remains unclear.